The following is an entry in ClinVar:

ClinVar aggregate classification (germline): Uncertain significance. Review status: criteria provided, single submitter (1 of 4 stars). 2 submissions from 2 submitters: Uncertain significance (1). 1 of the submissions does not count toward it. Last evaluated 2020-05-20.

Conditions:
Cardiomyopathy (CMYO). Also called: Cardiomyopathies. Identifiers: Orphanet 167848, MedGen C0878544, MONDO:0004994, HP:0001638. Inheritance: Various modes of inheritance.
Dystrophin deficiency.
Duchenne muscular dystrophy (DMD). Also called: MUSCULAR DYSTROPHY, PSEUDOHYPERTROPHIC PROGRESSIVE, DUCHENNE TYPE; Duchenne Muscular Dystrophy (DMD). Identifiers: Orphanet 98896, MedGen C0013264, MONDO:0010679, OMIM 310200.
Becker muscular dystrophy (BMD). Also called: Becker Muscular Dystrophy (BMD); MUSCULAR DYSTROPHY, PSEUDOHYPERTROPHIC PROGRESSIVE, BECKER TYPE. Identifiers: Orphanet 98895, MedGen C0917713, MONDO:0010311, OMIM 300376.

Allele frequency attached by ClinVar (database versions not stated): TOPMed below 0.00001; gnomAD 0.00001.
gnomAD v4.1: 1 of 1,208,839 alleles (0.000083%); highest among the groups gnomAD compares: African/African-American, 0.0018%; no homozygotes.

Submissions (2):

Labcorp Genetics (formerly Invitae), Labcorp
Classification: Uncertain significance for Duchenne muscular dystrophy. Last evaluated: 2020-05-20. Review status: criteria provided, single submitter. Criteria: Invitae Variant Classification Sherloc (09022015). Collection method: clinical testing. Allele origin: germline.
Comment: In summary, the available evidence is currently insufficient to determine the role of this variant in disease. Therefore, it has been classified as a Variant of Uncertain Significance. Algorithms developed to predict the effect of missense changes on protein structure and function are either unavailable or do not agree on the potential impact of this missense change (SIFT: "Tolerated"; PolyPhen-2: "Probably Damaging"; Align-GVGD: "Class C0"). This sequence change replaces proline with arginine at codon 705 of the DMD protein (p.Pro705Arg). The proline residue is highly conserved and there is a moderate physicochemical difference between proline and arginine. This variant is not present in population databases (ExAC no frequency). This variant has not been reported in the literature in individuals with DMD-related conditions.

Natera, Inc.
Classification: Uncertain significance for Becker muscular dystrophy; Cardiomyopathy; Duchenne muscular dystrophy; Dystrophin deficiency. Last evaluated: 2019-03-21. Review status: no assertion criteria provided. Collection method: clinical testing. Allele origin: germline. Not counted in ClinVar's aggregate classification.

NM_004006.3(DMD):c.2114C>G (p.Pro705Arg)

Gene: DMD (dystrophin; minus strand). Cytogenetic location: Xp21.1.
Variant type: single nucleotide variant.
Coding change: c.2114C>G on transcript NM_004006.3 (MANE Select); coding-DNA position 2114, C replaced by G.
Protein change: p.Pro705Arg; replaces proline 705 with arginine.
Molecular consequence: missense variant.
Genome position (GRCh38, 1-based): chrX:32,545,213, G>C on the plus strand (C>G on the coding strand, the complement: DMD is on the minus strand). VCF-style: chrX-32545213-G-C. GRCh37 (hg19) VCF-style: chrX-32563330-G-C.
Other names: c.2090C>G, p.Pro697Arg (NM_000109.4); c.2102C>G, p.Pro701Arg (NM_004009.3); c.1745C>G, p.Pro582Arg (NM_004010.3); short protein forms P701R, P705R, P582R, P697R.
Identifiers: ClinVar variation 1040089 (VCV001040089.10), dbSNP rs771176356, ClinGen allele CA412667799.